The following is an entry in ClinVar:

NM_005101.4(ISG15):c.31G>A (p.Ala11Thr)

Gene: ISG15 (ISG15 ubiquitin like modifier; plus strand). Cytogenetic location: 1p36.33.
Variant type: single nucleotide variant.
Coding change: c.31G>A on transcript NM_005101.4 (MANE Select); coding-DNA position 31, G replaced by A.
Protein change: p.Ala11Thr; replaces alanine 11 with threonine.
Molecular consequence: missense variant.
Genome position (GRCh38, 1-based): chr1:1,014,011, G>A. VCF-style: chr1-1014011-G-A. GRCh37 (hg19) VCF-style: chr1-949391-G-A.
Other names: short protein forms A11T.
Identifiers: ClinVar variation 942967 (VCV000942967.9), dbSNP rs1241025790, ClinGen allele CA337803458.

ClinVar aggregate classification (germline): Uncertain significance (1 of 4 stars; one submission).

Conditions:
Mendelian susceptibility to mycobacterial diseases due to complete ISG15 deficiency. Also called: Immunodeficiency 38 with basal ganglia calcification; ISG15 DEFICIENCY, AUTOSOMAL RECESSIVE; IMMUNODEFICIENCY 38, MYCOBACTERIOSIS, AUTOSOMAL RECESSIVE; Immunodeficiency 38. Identifiers: Orphanet 319563, MedGen C4015293, MONDO:0014502, OMIM 616126.

Allele frequency attached by ClinVar (database versions not stated): gnomAD exomes below 0.00001.

Submission:

Labcorp Genetics (formerly Invitae), Labcorp
Classification: Uncertain significance for Mendelian susceptibility to mycobacterial diseases due to complete ISG15 deficiency. Last evaluated: 2019-06-04. Review status: criteria provided, single submitter. Criteria: Invitae Variant Classification Sherloc (09022015). Collection method: clinical testing. Allele origin: germline.
Comment: Algorithms developed to predict the effect of missense changes on protein structure and function output the following: SIFT: "Tolerated"; PolyPhen-2: "Benign"; Align-GVGD: "Class C0". The threonine amino acid residue is found in multiple mammalian species, suggesting that this missense change does not adversely affect protein function. These predictions have not been confirmed by published functional studies and their clinical significance is uncertain. In summary, the available evidence is currently insufficient to determine the role of this variant in disease. Therefore, it has been classified as a Variant of Uncertain Significance. This variant has not been reported in the literature in individuals with ISG15-related conditions. This sequence change replaces alanine with threonine at codon 11 of the ISG15 protein (p.Ala11Thr). The alanine residue is weakly conserved and there is a small physicochemical difference between alanine and threonine. This variant is not present in population databases (ExAC no frequency).